The following is an entry in ClinVar:

NM_015272.5(RPGRIP1L):c.591del (p.Asn198fs)

Gene: RPGRIP1L (RPGRIP1 like; minus strand). Cytogenetic location: 16q12.2.
Variant type: Deletion.
Coding change: c.591del on transcript NM_015272.5 (MANE Select); coding-DNA position 591, one base deleted (C; older notation c.591delC).
Protein change: p.Asn198fs; shifts the reading frame from asparagine 198.
Molecular consequence: frameshift variant.
Genome position (GRCh38, 1-based): chr16:53,687,904, G deleted on the plus strand (C on the coding strand, the reverse complement: RPGRIP1L is on the minus strand). VCF-style (leftmost placement, unchanged base first): chr16-53687903-TG-T. GRCh37 (hg19) VCF-style: chr16-53721815-TG-T.
Other names: c.591del, p.Asn198fs (NM_001127897.4, NM_001308334.3, NM_001330538.2); c.591delC (NM_015272.4); short protein forms N198fs.
Identifiers: ClinVar variation 1069275 (VCV001069275.9), dbSNP rs1283508618, ClinGen allele CA721659580.

ClinVar aggregate classification (germline): Pathogenic/Likely pathogenic. Review status: criteria provided, multiple submitters, no conflicts (2 of 4 stars). 3 submissions from 3 submitters: Pathogenic (1); Likely pathogenic (1). 1 of the submissions does not count toward it. Last evaluated 2025-02-17.

Conditions:
RPGRIP1L-related disorder. Also called: RPGRIP1L-related disorders; RPGRIP1L-related condition. Identifiers: MedGen CN239416.
Meckel-Gruber syndrome. Also called: DYSENCEPHALIA SPLANCHNOCYSTICA; GRUBER SYNDROME; Dysencephalia splachnocystica. Identifiers: Orphanet 564, MedGen C0265215, MONDO:0018921.
Joubert syndrome. Also called: JOUBERT-BOLTSHAUSER SYNDROME; Familial aplasia of the vermis. Identifiers: Orphanet 475, MedGen C5979921, MONDO:0018772.

Allele frequency attached by ClinVar (database versions not stated): TOPMed 0.00001.

Submissions (3):

Natera, Inc.
Classification: Likely pathogenic for Joubert syndrome. Last evaluated: 2025-02-17. Review status: criteria provided, single submitter. Criteria: Natera Variant Classification Schema (03/2026). Collection method: clinical testing. Allele origin: germline.
Comment: The c.591delC variant in RPGRIP1L is a frameshift variant predicted to shift the reading frame beginning at codon 198 and leads to a stop codon 11 codons downstream. This variant is expected to result in nonsense mediated decay, truncation, or a dysfunctional protein product. This variant is rare in the general population with a frequency below the threshold expected for the associated phenotype(s). Given the available evidence, this variant is classified as Likely Pathogenic.

Labcorp Genetics (formerly Invitae), Labcorp
Classification: Pathogenic for Joubert syndrome; Meckel-Gruber syndrome. Last evaluated: 2021-06-17. Review status: criteria provided, single submitter. Criteria: Invitae Variant Classification Sherloc (09022015). Collection method: clinical testing. Allele origin: germline.
Comment: For these reasons, this variant has been classified as Pathogenic. Loss-of-function variants in RPGRIP1L are known to be pathogenic (PMID: 17558409). This variant has not been reported in the literature in individuals with RPGRIP1L-related conditions. This variant is not present in population databases (ExAC no frequency). This sequence change creates a premature translational stop signal (p.Asn198Thrfs*11) in the RPGRIP1L gene. It is expected to result in an absent or disrupted protein product.

PreventionGenetics, part of Exact Sciences
Classification: Likely pathogenic for RPGRIP1L-related condition. Last evaluated: 2024-09-09. Review status: no assertion criteria provided. Collection method: clinical testing. Allele origin: germline. Not counted in ClinVar's aggregate classification.
Comment: The RPGRIP1L c.591delC variant is predicted to result in a frameshift and premature protein termination (p.Asn198Thrfs*11). To our knowledge, this variant has not been reported in the literature or a large population database, indicating this variant is rare. Frameshift variants in RPGRIP1L are expected to be pathogenic. This variant is interpreted as likely pathogenic.

Literature cited by the submitters: PubMed 17558409 (cited by Labcorp Genetics (formerly Invitae), Labcorp).